The following is an entry in ClinVar:

NM_031885.5(BBS2):c.1392A>C (p.Arg464Ser)

Gene: BBS2 (Bardet-Biedl syndrome 2; minus strand). Cytogenetic location: 16q13.
Variant type: single nucleotide variant.
Coding change: c.1392A>C on transcript NM_031885.5 (MANE Select); coding-DNA position 1392, A replaced by C.
Protein change: p.Arg464Ser; replaces arginine 464 with serine.
Molecular consequence: missense variant. On other transcripts: non-coding transcript variant (2).
Genome position (GRCh38, 1-based): chr16:56,500,859, T>G on the plus strand (A>C on the coding strand, the complement: BBS2 is on the minus strand). VCF-style: chr16-56500859-T-G. GRCh37 (hg19) VCF-style: chr16-56534771-T-G.
Other names: c.1392A>C, p.Arg464Ser (NM_001377456.1); short protein forms R464S.
Identifiers: ClinVar variation 1715779 (VCV001715779.5), dbSNP rs2543707416, ClinGen allele CA395979287.

ClinVar aggregate classification (germline): Uncertain significance (1 of 4 stars; one submission).

Conditions:
Bardet-Biedl syndrome (BBS). Identifiers: Orphanet 110, MedGen C0752166, MONDO:0015229.

Submission:

Labcorp Genetics (formerly Invitae), Labcorp
Classification: Uncertain significance for Bardet-Biedl syndrome. Last evaluated: 2022-08-08. Review status: criteria provided, single submitter. Criteria: Invitae Variant Classification Sherloc (09022015). Collection method: clinical testing. Allele origin: germline.
Comment: In summary, the available evidence is currently insufficient to determine the role of this variant in disease. Therefore, it has been classified as a Variant of Uncertain Significance. Algorithms developed to predict the effect of missense changes on protein structure and function (SIFT, PolyPhen-2, Align-GVGD) all suggest that this variant is likely to be tolerated. This variant has not been reported in the literature in individuals affected with BBS2-related conditions. This variant is not present in population databases (gnomAD no frequency). This sequence change replaces arginine, which is basic and polar, with serine, which is neutral and polar, at codon 464 of the BBS2 protein (p.Arg464Ser).